The following is an entry in ClinVar:

ClinVar aggregate classification (germline): Uncertain significance (1 of 4 stars; one submission).

Submission:

Women's Health and Genetics/Laboratory Corporation of America, LabCorp
Classification: Uncertain significance. Last evaluated: 2020-10-07. Review status: criteria provided, single submitter. Criteria: LabCorp Variant Classification Summary - May 2015. Collection method: clinical testing. Allele origin: germline.
Comment: Variant summary: The variant identified by MLPA or other technology involves the duplication of exons 58-79 in the DMD gene. A presumed nomenclature of c.(8547+1_8548-1)_(*2692_?)dup has been designated for the purposes of this classification. It has been assumed that this is a tandem duplication in direct orientation (Richardson_GIM_2018, Neuman_AJHG_2015). Although exact breakpoints of this duplication are not known, it is expected to result in a frameshift in the DMD gene, however the functional consequences of this change are difficult to predict. FrameChecker predicts two possibilities: (1) the transcript ends after the first exon 79 copy and the duplication most likely has only a marginal or no functional effect, or (2) exon 79 is skipped, exon 78 is spliced to the first duplicated exon and the transcripts terminates after the second exon 79 copy. Since the encoded protein is nearly complete, no strong deleterious consequences are expected. These predictions have not been confirmed by functional studies. The variant was absent in approximately 16000 control chromosomes (gnomAD structural variants data set). The available data on variant occurrences in the general population are insufficient to allow any conclusion about variant significance. To our knowledge, no occurrence of c.(8547+1_8548-1)_(*2692_?)dup in individuals affected with Dystrophinopathies and no experimental evidence demonstrating its impact on protein function have been reported. No clinical diagnostic laboratories have submitted clinical-significance assessments for this variant to ClinVar after 2014. Based on the evidence outlined above, the variant was classified as uncertain significance.

NC_000023.10:g.(?_31137344)_(31497221_31514904)dup

Gene: DMD (dystrophin; minus strand). Cytogenetic location: Xp21.2-21.1.
Variant type: Duplication.
Identifiers: ClinVar variation 984462 (VCV000984462.1).